The following is an entry in ClinVar:

NM_001083962.2(TCF4):c.1138C>T (p.His380Tyr)

Gene: TCF4 (transcription factor 4; minus strand). Cytogenetic location: 18q21.2.
Variant type: single nucleotide variant.
Coding change: c.1138C>T on transcript NM_001083962.2 (MANE Select); coding-DNA position 1138, C replaced by T.
Protein change: p.His380Tyr; replaces histidine 380 with tyrosine.
Molecular consequence: missense variant.
Genome position (GRCh38, 1-based): chr18:55,257,323, G>A on the plus strand (C>T on the coding strand, the complement: TCF4 is on the minus strand). VCF-style: chr18-55257323-G-A. GRCh37 (hg19) VCF-style: chr18-52924554-G-A.
Other names: c.1444C>T, p.His482Tyr (NM_001243226.3); c.1066C>T, p.His356Tyr (NM_001243227.2, NM_001348217.1, NM_001348218.2 and 5 more transcripts); c.1156C>T, p.His386Tyr (NM_001243228.2); c.1129C>T, p.His377Tyr (NM_001243230.2); c.1012C>T, p.His338Tyr (NM_001243231.2, NM_001348211.2); c.925C>T, p.His309Tyr (NM_001243232.1, NM_001306208.1); c.748C>T, p.His250Tyr (NM_001243233.2, NM_001330605.3, NM_001348212.2 and 1 more transcripts); c.658C>T, p.His220Tyr (NM_001243234.2, NM_001348216.2, NM_001243235.2 and 1 more transcripts); and 6 more; short protein forms H338Y, H357Y, H219Y, H379Y, H482Y, H164Y, H250Y, H309Y.
Identifiers: ClinVar variation 2707842 (VCV002707842.3), dbSNP rs1700284693, ClinGen allele CA402534163.

ClinVar aggregate classification (germline): Uncertain significance (1 of 4 stars; one submission).

Conditions:
Pitt-Hopkins syndrome (PTHS). Also called: ENCEPHALOPATHY, SEVERE EPILEPTIC, WITH AUTONOMIC DYSFUNCTION; MENTAL RETARDATION, SYNDROMAL, WITH INTERMITTENT HYPERVENTILATION. Identifiers: Orphanet 2896, MedGen C1970431, MONDO:0012589, OMIM 610954.

Submission:

Labcorp Genetics (formerly Invitae), Labcorp
Classification: Uncertain significance for Pitt-Hopkins syndrome. Last evaluated: 2024-01-05. Review status: criteria provided, single submitter. Criteria: Invitae Variant Classification Sherloc (09022015). Collection method: clinical testing. Allele origin: germline.
Comment: This sequence change replaces histidine, which is basic and polar, with tyrosine, which is neutral and polar, at codon 380 of the TCF4 protein (p.His380Tyr). This variant is not present in population databases (gnomAD no frequency). This variant has not been reported in the literature in individuals affected with TCF4-related conditions. Advanced modeling of protein sequence and biophysical properties (such as structural, functional, and spatial information, amino acid conservation, physicochemical variation, residue mobility, and thermodynamic stability) has been performed at Invitae for this missense variant, however the output from this modeling did not meet the statistical confidence thresholds required to predict the impact of this variant on TCF4 protein function. In summary, the available evidence is currently insufficient to determine the role of this variant in disease. Therefore, it has been classified as a Variant of Uncertain Significance.